The following is an entry in ClinVar:

NM_012330.4(KAT6B):c.1815C>G (p.Ser605Arg)

Gene: KAT6B (lysine acetyltransferase 6B; plus strand). Cytogenetic location: 10q22.2.
Variant type: single nucleotide variant.
Coding change: c.1815C>G on transcript NM_012330.4 (MANE Select); coding-DNA position 1815, C replaced by G.
Protein change: p.Ser605Arg; replaces serine 605 with arginine.
Molecular consequence: missense variant. On other transcripts: intron variant (13).
Genome position (GRCh38, 1-based): chr10:74,976,152, C>G. VCF-style: chr10-74976152-C-G. GRCh37 (hg19) VCF-style: chr10-76735910-C-G.
Other names: c.1815C>G, p.Ser605Arg (NM_001370136.1, NM_001370137.1); c.1117+698C>G (NM_001370139.1, NM_001370140.1, NM_001370141.1 and 3 more transcripts); c.1444+371C>G (NM_001370138.1, NM_001256468.2); c.846+6377C>G (NM_001370133.1); c.193-3072C>G (NM_001370134.1); c.929-1164C>G (NM_001370143.1, NM_001370144.1); c.193-12867C>G (NM_001370135.1); short protein forms S605R.
Identifiers: ClinVar variation 2633160 (VCV002633160.2), dbSNP rs1457301708, ClinGen allele CA377288495.

ClinVar aggregate classification (germline): Uncertain significance (1 of 4 stars; one submission).

Conditions:
KAT6B-related disorder. Also called: KAT6B-related disorders; KAT6B-related condition.

Submission:

PreventionGenetics, part of Exact Sciences
Classification: Uncertain significance for KAT6B-related condition. Last evaluated: 2025-06-13. Review status: criteria provided, single submitter. Criteria: ACMG Guidelines, 2015. Collection method: clinical testing. Allele origin: germline.
Comment: The KAT6B c.1815C>G variant is predicted to result in the amino acid substitution p.Ser605Arg. To our knowledge, this variant has not been reported in the literature or in a large population database (gnomAD), indicating this variant is rare. At this time, the clinical significance of this variant is uncertain due to the absence of conclusive functional and genetic evidence.